The following is an entry in ClinVar:

ClinVar aggregate classification (germline): Pathogenic/Likely pathogenic. Review status: criteria provided, multiple submitters, no conflicts (2 of 4 stars). 4 submissions from 4 submitters: Pathogenic (1); Likely pathogenic (3). Last evaluated 2026-03-23.

Conditions:
RTEL1-related disorder. Also called: RTEL1-related disorders; RTEL1-related condition.
Dyskeratosis congenita, autosomal recessive 5 (DKCB5). Identifiers: MedGen C3554656, MONDO:0014076, OMIM 615190.
Pulmonary fibrosis and/or bone marrow failure, Telomere-related, 3. Also called: PULMONARY FIBROSIS AND/OR BONE MARROW FAILURE SYNDROME, TELOMERE-RELATED, 3. Identifiers: Orphanet 2032, MedGen C4225346, MONDO:0014613, OMIM 616373.
Autosomal dominant RTEL1-related disorders.

Submissions (4):

GeneDx
Classification: Likely pathogenic. Last evaluated: 2026-03-23. Review status: criteria provided, single submitter. Criteria: GeneDx Variant Classification Process June 2021. Collection method: clinical testing. Allele origin: germline.
Comment: Frameshift variant predicted to result in protein truncation or nonsense mediated decay in a gene for which loss of function is a known mechanism of disease; Not observed at significant frequency in large population cohorts (gnomAD); Has not been previously published as pathogenic or benign to our knowledge

Variantyx, Inc.
Classification: Likely pathogenic for Autosomal dominant RTEL1-related disorders. Last evaluated: 2025-08-01. Review status: criteria provided, single submitter. Criteria: Variantyx Assertion Criteria 2022. Collection method: clinical testing. Allele origin: germline. Inheritance: Autosomal recessive inheritance. Affected: yes.
Comment: This is a frameshift variant in the RTEL1 gene (OMIM: 608833). Pathogenic variants in this gene have been associated with autosomal dominant RTEL1-related disorders. This variant introduces a premature termination codon in exon 31 out of 35 and is expected to result in loss of function, which is a known disease mechanism for RTEL1 in this disorder (PMID: 29344583) (PVS1). This variant is absent from control populations (PM2). Based on the current evidence, this variant is classified as likely pathogenic for autosomal dominant RTEL1-related disorders.Inheritance from an unaffected parent or a parent with unknown affected status has been reported, consistent with incomplete penetrance (PMID: 25848748).

Baylor Genetics
Classification: Likely pathogenic for Dyskeratosis congenita, autosomal recessive 5. Last evaluated: 2024-03-04. Review status: criteria provided, single submitter. Criteria: ACMG Guidelines, 2015. Collection method: clinical testing. Allele origin: unknown.

Labcorp Genetics (formerly Invitae), Labcorp
Classification: Pathogenic for Dyskeratosis congenita, autosomal recessive 5; Pulmonary fibrosis and/or bone marrow failure, Telomere-related, 3. Last evaluated: 2023-07-21. Review status: criteria provided, single submitter. Criteria: Invitae Variant Classification Sherloc (09022015). Collection method: clinical testing. Allele origin: germline.
Comment: This sequence change creates a premature translational stop signal (p.Arg986Glufs*21) in the RTEL1 gene. It is expected to result in an absent or disrupted protein product. Loss-of-function variants in RTEL1 are known to be pathogenic (PMID: 23453664, 23959892, 25607374). This variant is not present in population databases (gnomAD no frequency). This variant has not been reported in the literature in individuals affected with RTEL1-related conditions. ClinVar contains an entry for this variant (Variation ID: 548700). For these reasons, this variant has been classified as Pathogenic.

Literature cited by the submitters: PubMed 29344583 (cited by Variantyx, Inc.); PubMed 25848748 (cited by Variantyx, Inc.); PubMed 23453664 (cited by Labcorp Genetics (formerly Invitae), Labcorp); PubMed 23959892 (cited by Labcorp Genetics (formerly Invitae), Labcorp); PubMed 25607374 (cited by Labcorp Genetics (formerly Invitae), Labcorp).

NM_001283009.2(RTEL1):c.2956del (p.Arg986fs)

Genes: RTEL1 (regulator of telomere elongation helicase 1; plus strand), RTEL1-TNFRSF6B (RTEL1-TNFRSF6B readthrough (NMD candidate); plus strand). Cytogenetic location: 20q13.33.
Variant type: Deletion.
Coding change: c.2956del on transcript NM_001283009.2 (MANE Select); coding-DNA position 2956, one base deleted (C; older notation c.2956delC).
Protein change: p.Arg986fs; shifts the reading frame from arginine 986.
Molecular consequence: frameshift variant. On other transcripts: non-coding transcript variant (1).
Genome position (GRCh38, 1-based): chr20:63,693,247, C deleted; the last of 4 consecutive C bases (chr20:63,693,244-63,693,247); deleting any one gives the same sequence. VCF-style (leftmost placement, unchanged base first): chr20-63693243-TC-T. GRCh37 (hg19) VCF-style: chr20-62324596-TC-T.
Other names: c.2287del, p.Arg763fs (NM_001283010.1); c.2956del, p.Arg986fs (NM_016434.4); c.3028del, p.Arg1010fs (NM_032957.5); short protein forms R763fs, R1010fs, R986fs.
Identifiers: ClinVar variation 548700 (VCV000548700.12), dbSNP rs1285014916, ClinGen allele CA658824163.
Genomic context (GRCh38, chr20:63,693,243, plus strand): 5'-TGAGGAGGTCTGTATCCAGCTGACAGGACGAGGCTGTGGCTATCGGCCTGAGCACAGCAT[TC>T]CCCGAAGGCAGCGGGCACAGCCGGTCCTGGACCCCACTGGTAAATGGGGCCCCAGGTGGG-3'